The following is an entry in ClinVar:

ClinVar aggregate classification (germline): Uncertain significance. Review status: criteria provided, multiple submitters, no conflicts (2 of 4 stars). 2 submissions from 2 submitters: Uncertain significance (2). Last evaluated 2022-12-26.

Conditions:
Hereditary sensory neuropathy-deafness-dementia syndrome. Also called: HSN IE; NEUROPATHY, HEREDITARY SENSORY, WITH HEARING LOSS AND DEMENTIA; Hereditary sensory neuropathy type IE; Hereditary Sensory and Autonomic Neuropathy Type 1E (HSAN1E). Identifiers: Orphanet 456318, MedGen C3279885, MONDO:0013584, OMIM 614116.

Allele frequency attached by ClinVar (database versions not stated): gnomAD exomes below 0.00001.
gnomAD v4.1: 3 of 1,609,938 alleles (0.00019%); highest among the groups gnomAD compares: Non-Finnish European, 0.00017%; no homozygotes.

Submissions (2):

Labcorp Genetics (formerly Invitae), Labcorp
Classification: Uncertain significance for Hereditary sensory neuropathy-deafness-dementia syndrome. Last evaluated: 2022-12-26. Review status: criteria provided, single submitter. Criteria: Invitae Variant Classification Sherloc (09022015). Collection method: clinical testing. Allele origin: germline.
Comment: In summary, the available evidence is currently insufficient to determine the role of this variant in disease. Therefore, it has been classified as a Variant of Uncertain Significance. Advanced modeling of protein sequence and biophysical properties (such as structural, functional, and spatial information, amino acid conservation, physicochemical variation, residue mobility, and thermodynamic stability) performed at Invitae indicates that this missense variant is not expected to disrupt DNMT1 protein function. ClinVar contains an entry for this variant (Variation ID: 1693733). This variant has not been reported in the literature in individuals affected with DNMT1-related conditions. This variant is not present in population databases (gnomAD no frequency). This sequence change replaces phenylalanine, which is neutral and non-polar, with serine, which is neutral and polar, at codon 1267 of the DNMT1 protein (p.Phe1267Ser).

Mayo Clinic Laboratories, Mayo Clinic
Classification: Uncertain significance. Last evaluated: 2021-10-14. Review status: criteria provided, single submitter. Criteria: ACMG Guidelines, 2015. Collection method: clinical testing. Allele origin: germline.

NM_001130823.3(DNMT1):c.3800T>C (p.Phe1267Ser)

Gene: DNMT1 (DNA methyltransferase 1; minus strand). Cytogenetic location: 19p13.2.
Variant type: single nucleotide variant.
Coding change: c.3800T>C on transcript NM_001130823.3 (MANE Select); coding-DNA position 3800, T replaced by C.
Protein change: p.Phe1267Ser; replaces phenylalanine 1267 with serine.
Molecular consequence: missense variant.
Genome position (GRCh38, 1-based): chr19:10,140,052, A>G on the plus strand (T>C on the coding strand, the complement: DNMT1 is on the minus strand). VCF-style: chr19-10140052-A-G. GRCh37 (hg19) VCF-style: chr19-10250728-A-G.
Other names: p.Phe1267Ser; c.3752T>C, p.Phe1251Ser (NM_001318730.2, NM_001379.4); c.3437T>C, p.Phe1146Ser (NM_001318731.2); short protein forms F1146S, F1251S, F1267S.
Identifiers: ClinVar variation 1693733 (VCV001693733.9), dbSNP rs2145265133, ClinGen allele CA403972685.